The following is an entry in ClinVar:

NM_001875.5(CPS1):c.4457A>G (p.Lys1486Arg)

Gene: CPS1 (carbamoyl-phosphate synthase 1; plus strand). Cytogenetic location: 2q34.
Variant type: single nucleotide variant.
Coding change: c.4457A>G on transcript NM_001875.5 (MANE Select); coding-DNA position 4457, A replaced by G.
Protein change: p.Lys1486Arg; replaces lysine 1486 with arginine.
Molecular consequence: missense variant. On other transcripts: non-coding transcript variant (2).
Genome position (GRCh38, 1-based): chr2:210,677,939, A>G. VCF-style: chr2-210677939-A-G. GRCh37 (hg19) VCF-style: chr2-211542663-A-G.
Other names: c.4457A>G, p.Lys1486Arg (NM_001122633.3, NM_001369257.1); c.4490A>G, p.Lys1497Arg (NM_001369256.1); short protein forms K1486R, K1497R.
Identifiers: ClinVar variation 2167151 (VCV002167151.1), dbSNP rs189011999, ClinGen allele CA2087305.
Genomic context (GRCh38, chr2:210,677,939, plus strand): 5'-ATTTTCAGGTGACCAAACTTTTTGCTGAAGCTGTGCAGAAATCTCGCAAGGTGGACTCCA[A>G]GAGTCTTTTCCACTACAGGCAGTACAGTGCTGGAAAAGCAGCATAGAGATGCAGACACCC-3'
Protein context (NP_001866.2, residues 1476-1496): AVQKSRKVDS[Lys1486Arg]SLFHYRQYSA

ClinVar aggregate classification (germline): Uncertain significance (1 of 4 stars; one submission).

Conditions:
Congenital hyperammonemia, type I. Also called: CPS I DEFICIENCY; Carbamoyl-phosphate synthase I deficiency; Carbamoyl phosphate synthetase I deficiency disease; Carbamoyl phosphate synthetase 1 deficiency; Hyperammonemia due to carbamoyl phosphate synthetase 1 deficiency; CPS 1 deficiency. Identifiers: Orphanet 147, MedGen C4082171, MONDO:0009376, OMIM 237300.

Allele frequency attached by ClinVar (database versions not stated): TOPMed below 0.00001; gnomAD 0.00001; gnomAD exomes 0.00002; ExAC 0.00003; 1000 Genomes Project 0.00040; 1000 Genomes Project 30x 0.00047.
gnomAD v4.1: 32 of 1,614,154 alleles (0.002%); highest among the groups gnomAD compares: Admixed American, 0.02%; no homozygotes.

Submission:

Labcorp Genetics (formerly Invitae), Labcorp
Classification: Uncertain significance for Congenital hyperammonemia, type I. Last evaluated: 2021-09-02. Review status: criteria provided, single submitter. Criteria: Invitae Variant Classification Sherloc (09022015). Collection method: clinical testing. Allele origin: germline.
Comment: This sequence change replaces lysine with arginine at codon 1486 of the CPS1 protein (p.Lys1486Arg). The lysine residue is moderately conserved and there is a small physicochemical difference between lysine and arginine. This variant is present in population databases (rs189011999, ExAC 0.03%). This variant has not been reported in the literature in individuals affected with CPS1-related conditions. Algorithms developed to predict the effect of missense changes on protein structure and function (SIFT, PolyPhen-2, Align-GVGD) all suggest that this variant is likely to be tolerated. In summary, the available evidence is currently insufficient to determine the role of this variant in disease. Therefore, it has been classified as a Variant of Uncertain Significance.